The following is an entry in ClinVar:

ClinVar aggregate classification (germline): Likely pathogenic (1 of 4 stars; one submission).

Submission:

Geisinger Autism and Developmental Medicine Institute, Geisinger Health System
Classification: Likely pathogenic. Last evaluated: 2018-03-30. Review status: criteria provided, single submitter. Criteria: ACMG CNV Guidelines, 2011. Collection method: provider interpretation. Allele origin: unknown.
Comment: Parental testing was not completed. This duplication includes 18 OMIM genes and 31 other genes. Identical duplications have not been reported, though overlapping duplications have been noted in DECIPHER in individuals with autism, intellectual disability, seizures, and dysmorphic features. Due to the size of this duplication, it is likely the explanation for this patient's presentation.

Literature cited by the submitters: PubMed 26227573.

Single allele

Genes: ACOXL (acyl-CoA oxidase like; plus strand), BCL2L11 (BCL2 like 11; plus strand), BUB1 (BUB1 mitotic checkpoint serine/threonine kinase; minus strand), CCDC138 (coiled-coil domain containing 138; plus strand), EDAR (ectodysplasin A receptor; minus strand) and 17 more. Cytogenetic location: 2q12.2-13.
Variant type: Duplication.
Identifiers: ClinVar variation 560135 (VCV000560135.3).